The following is an entry in ClinVar:

NM_001844.5(COL2A1):c.1420-1G>A

Gene: COL2A1 (collagen type II alpha 1 chain; minus strand). Cytogenetic location: 12q13.11.
Variant type: single nucleotide variant.
Coding change: c.1420-1G>A on transcript NM_001844.5 (MANE Select); the canonical splice acceptor site of the intron before coding-DNA position 1420, G replaced by A.
Molecular consequence: splice acceptor variant.
Genome position (GRCh38, 1-based): chr12:47,986,444, C>T on the plus strand (G>A on the coding strand, the complement: COL2A1 is on the minus strand). VCF-style: chr12-47986444-C-T. GRCh37 (hg19) VCF-style: chr12-48380227-C-T.
Other names: c.1213-1G>A (NM_033150.3).
Identifiers: ClinVar variation 1803193 (VCV001803193.7), dbSNP rs2540149390, ClinGen allele CA384552983.

ClinVar aggregate classification (germline): Pathogenic. Review status: criteria provided, multiple submitters, no conflicts (2 of 4 stars). 2 submissions from 2 submitters: Pathogenic (2). Last evaluated 2022-10-25.

Conditions:
Stickler syndrome, type I, nonsyndromic ocular. Also called: STICKLER SYNDROME, ATYPICAL; STICKLER SYNDROME, TYPE I, PREDOMINANTLY OCULAR. Identifiers: MedGen C1836080, MONDO:0012287, OMIM 609508.

Submissions (2):

Labcorp Genetics (formerly Invitae), Labcorp
Classification: Pathogenic. Last evaluated: 2022-10-25. Review status: criteria provided, single submitter. Criteria: Invitae Variant Classification Sherloc (09022015). Collection method: clinical testing. Allele origin: germline.
Comment: This sequence change affects an acceptor splice site in intron 22 of the COL2A1 gene. RNA analysis indicates that disruption of this splice site induces altered splicing and likely results in the loss of 6 amino acid residue(s), but is expected to preserve the integrity of the reading-frame. This variant is not present in population databases (gnomAD no frequency). Disruption of this splice site has been observed in individuals with Kniest dysplasia or spondyloepiphyseal dysplasia congenita (PMID: 7849719, 22791362). Studies have shown that disruption of this splice site results in the activation of a cryptic splice site in exon 23 (PMID: 7849719). This variant disrupts the triple helix domain of COL2A1. Glycine residues within the Gly-Xaa-Yaa repeats of the triple helix domain are required for the structure and stability of fibrillar collagens (PMID: 7695699, 8218237, 19344236). In COL2A1, variants affecting these glycine residues are significantly enriched in individuals with disease (PMID: 9016532, 17078022) compared to the general population (ExAC). For these reasons, this variant has been classified as Pathogenic.

Genetics and Molecular Pathology, SA Pathology
Classification: Pathogenic for Stickler syndrome, type I, nonsyndromic ocular. Last evaluated: 2021-11-04. Review status: criteria provided, single submitter. Criteria: ACMG Guidelines, 2015. Collection method: clinical testing. Allele origin: germline. Inheritance: Autosomal dominant inheritance. Affected: yes.

Literature cited by the submitters: PubMed 7849719 (cited by Labcorp Genetics (formerly Invitae), Labcorp); PubMed 22791362 (cited by Labcorp Genetics (formerly Invitae), Labcorp); PubMed 7695699 (cited by Labcorp Genetics (formerly Invitae), Labcorp); PubMed 8218237 (cited by Labcorp Genetics (formerly Invitae), Labcorp); PubMed 19344236 (cited by Labcorp Genetics (formerly Invitae), Labcorp); PubMed 9016532 (cited by Labcorp Genetics (formerly Invitae), Labcorp); PubMed 17078022 (cited by Labcorp Genetics (formerly Invitae), Labcorp).